The following is an entry in ClinVar:

ClinVar aggregate classification (germline): Uncertain significance (1 of 4 stars; one submission).

Conditions:
Kabuki syndrome. Also called: NIIKAWA-KUROKI SYNDROME; Kabuki make-up syndrome. Identifiers: Orphanet 2322, MedGen C0796004, MONDO:0016512.

Submission:

Labcorp Genetics (formerly Invitae), Labcorp
Classification: Uncertain significance for Kabuki syndrome. Last evaluated: 2025-03-09. Review status: criteria provided, single submitter. Criteria: Invitae Variant Classification Sherloc (09022015). Collection method: clinical testing. Allele origin: germline.
Comment: This sequence change replaces histidine, which is basic and polar, with tyrosine, which is neutral and polar, at codon 3814 of the KMT2D protein (p.His3814Tyr). This variant is not present in population databases (gnomAD no frequency). This variant has not been reported in the literature in individuals affected with KMT2D-related conditions. Invitae Evidence Modeling of protein sequence and biophysical properties (such as structural, functional, and spatial information, amino acid conservation, physicochemical variation, residue mobility, and thermodynamic stability) indicates that this missense variant is not expected to disrupt KMT2D protein function with a negative predictive value of 95%. In summary, the available evidence is currently insufficient to determine the role of this variant in disease. Therefore, it has been classified as a Variant of Uncertain Significance.

NM_003482.4(KMT2D):c.11440C>T (p.His3814Tyr)

Gene: KMT2D (lysine methyltransferase 2D; minus strand). Cytogenetic location: 12q13.12.
Variant type: single nucleotide variant.
Coding change: c.11440C>T on transcript NM_003482.4 (MANE Select); coding-DNA position 11440, C replaced by T.
Protein change: p.His3814Tyr; replaces histidine 3814 with tyrosine.
Molecular consequence: missense variant.
Genome position (GRCh38, 1-based): chr12:49,033,265, G>A on the plus strand (C>T on the coding strand, the complement: KMT2D is on the minus strand). VCF-style: chr12-49033265-G-A. GRCh37 (hg19) VCF-style: chr12-49427048-G-A.
Other names: short protein forms H3814Y.
Identifiers: ClinVar variation 4801206 (VCV004801206.1).